The following is an entry in ClinVar:

ClinVar aggregate classification (germline): Uncertain significance. Review status: criteria provided, multiple submitters, no conflicts (2 of 4 stars). 7 submissions from 7 submitters: Uncertain significance (6). 1 of the submissions does not count toward it. Last evaluated 2026-03-09.

Conditions:
OTOGL-related disorder. Also called: OTOGL-related condition.
Autosomal recessive nonsyndromic hearing loss 84B. Also called: Deafness, autosomal recessive 84b. Identifiers: Orphanet 90636, MedGen C3554159, MONDO:0013984, OMIM 614944.

Allele frequency attached by ClinVar (database versions not stated): gnomAD 0.00001 and 0.00002; gnomAD exomes 0.00002; TOPMed 0.00002.
gnomAD v4.1: 34 of 1,584,532 alleles (0.0021%); highest among the groups gnomAD compares: Middle Eastern, 0.48%; no homozygotes.

Submissions (7):

PreventionGenetics, part of Exact Sciences
Classification: Uncertain significance for OTOGL-related condition. Last evaluated: 2026-03-09. Review status: criteria provided, single submitter. Criteria: ACMG Guidelines, 2015. Collection method: clinical testing. Allele origin: germline.
Comment: The OTOGL c.3250A>C variant is predicted to result in the amino acid substitution p.Asn1084His. This variant has been reported in the heterozygous state without information on a second potentially causative variant in a patient with hearing loss (described as p.Asn1084His, Tlili et al. 2024. PubMed ID: 38844983). This variant has not been reported in a large population database gnomAD, indicating that this variant is rare. At this time, the clinical significance of this variant is uncertain due to the absence of conclusive functional and genetic evidence.

Blueprint Genetics
Classification: Uncertain significance. Last evaluated: 2024-07-29. Review status: criteria provided, single submitter. Criteria: ACMG Guidelines, 2015. Collection method: clinical testing. Allele origin: germline.

GeneDx
Classification: Uncertain significance. Last evaluated: 2022-01-05. Review status: criteria provided, single submitter. Criteria: GeneDx Variant Classification Process June 2021. Collection method: clinical testing. Allele origin: germline. Affected: yes.
Comment: In silico analysis supports that this missense variant has a deleterious effect on protein structure/function; Has not been previously published as pathogenic or benign to our knowledge

Baylor Genetics
Classification: Uncertain significance for Autosomal recessive nonsyndromic hearing loss 84B. Last evaluated: 2019-12-26. Review status: criteria provided, single submitter. Criteria: ACMG Guidelines, 2015. Collection method: clinical testing. Allele origin: unknown. Affected: yes.
Comment: This variant was determined to be of uncertain significance according to ACMG Guidelines, 2015 [PMID:25741868].

Laboratory for Molecular Medicine, Mass General Brigham Personalized Medicine
Classification: Uncertain significance. Last evaluated: 2016-06-23. Review status: criteria provided, single submitter. Criteria: LMM Criteria. Collection method: clinical testing. Allele origin: germline. Observed: 1 variant allele.
Comment: The p.Asn1084His variant in OTOGL has not been previously reported in individual s with hearing loss or in large population studies. Computational prediction too ls and conservation analysis do not provide strong support for or against an imp act to the protein. In summary, the clinical significance of the p.Asn1048His va riant is uncertain.

Breakthrough Genomics
Classification: Uncertain significance. Review status: criteria provided, single submitter. Criteria: ACMG Guidelines, 2015. Collection method: not provided. Allele origin: germline. Inheritance: Autosomal recessive inheritance. Affected: yes.

Department of Pathology and Laboratory Medicine, Sinai Health System
Classification: Likely benign. Review status: no assertion criteria provided. Collection method: clinical testing. Allele origin: unknown. Affected: yes. Study: The Canadian Open Genetics Repository (COGR). Not counted in ClinVar's aggregate classification.
Comment: The OTOGL p.Asn1084His variant was not identified in the literature nor was it identified in Cosmic or LOVD 3.0. The variant was identified in dbSNP (ID: rs867315415), ClinVar (classified as VUS by Laboratory for Molecular Medicine, Partners HealthCare Personalized Medicine). The variant was not identified in the following control databases: the 1000 Genomes Project, the NHLBI GO Exome Sequencing Project, the Exome Aggregation Consortium (August 8th 2016), or the Genome Aggregation Database (Feb 27, 2017). The variant occurs outside of the splicing consensus sequence and in silico or computational prediction software programs (SpliceSiteFinder, MaxEntScan, NNSPLICE, GeneSplicer) do not predict a difference in splicing. The p.Asn1084 residue is conserved in mammals but not in other organisms, and computational analyses (PolyPhen-2, SIFT, AlignGVGD, BLOSUM, MutationTaster) provide inconsistent predictions regarding the impact to the protein; this information is not very predictive of pathogenicity. In summary, based on the above information the clinical significance of this variant cannot be determined with certainty at this time although we would lean towards a more benign role for this variant. This variant is classified as likely benign.

NM_001378609.3(OTOGL):c.3277A>C (p.Asn1093His)

Gene: OTOGL (otogelin like; plus strand). Cytogenetic location: 12q21.31.
Variant type: single nucleotide variant.
Coding change: c.3277A>C on transcript NM_001378609.3 (MANE Select); coding-DNA position 3277, A replaced by C.
Protein change: p.Asn1093His; replaces asparagine 1093 with histidine.
Molecular consequence: missense variant.
Genome position (GRCh38, 1-based): chr12:80,305,639, A>C. VCF-style: chr12-80305639-A-C. GRCh37 (hg19) VCF-style: chr12-80699419-A-C.
Other names: c.3142A>C, p.Asn1048His (NM_001368062.3); c.3277A>C, p.Asn1093His (NM_001378610.3, NM_173591.7); short protein forms N1084H, N1048H, N1093H.
Identifiers: ClinVar variation 505143 (VCV000505143.12), dbSNP rs867315415, ClinGen allele CA240197732.
Genomic context (GRCh38, chr12:80,305,639, plus strand): 5'-AAGCTATCAGGATTGTGTGGAAACTTTGACAAATGCACTTCAAATGATATGACCACATCT[A>C]ATAACTTGGAAGTGAGAAATGCTCGGGTATTTGGAGATAGTTGGGCATTAGGACAGGTAA-3'
Protein context (NP_001365538.2, residues 1083-1103): KCTSNDMTTS[Asn1093His]NLEVRNARVF